The following is an entry in ClinVar:

NM_178000.3(PTPA):c.657C>T (p.Pro219=)

Gene: PTPA (protein phosphatase 2 phosphatase activator; plus strand). Cytogenetic location: 9q34.11.
Variant type: single nucleotide variant.
Coding change: c.657C>T on transcript NM_178000.3 (MANE Select); coding-DNA position 657, C replaced by T.
Protein change: p.Pro219=; no amino-acid change (proline 219 retained).
Molecular consequence: synonymous variant.
Genome position (GRCh38, 1-based): chr9:129,136,567, C>T. VCF-style: chr9-129136567-C-T. GRCh37 (hg19) VCF-style: chr9-131898846-C-T.
Other names: c.552C>T, p.Pro184= (NM_001193397.2); c.570C>T, p.Pro190= (NM_001271832.2); c.657C>T, p.Pro219= (NM_021131.5); c.762C>T, p.Pro254= (NM_178001.3); c.531C>T, p.Pro177= (NM_178003.3).
Identifiers: ClinVar variation 4821262 (VCV004821262.4).
Genomic context (GRCh38, chr9:129,136,567, plus strand): 5'-CAGGATGGAGCCAGCCGGCAGCCAGGGAGTGTGGGGTCTGGATGACTTCCAGTTTCTGCC[C>T]TTCATCTGGGGCAGTTCGCAGCTGATAGGTACTAGAGCGGGAGGTGCCTATCCCTCCACC-3'
Protein context (NP_821067.1, residues 209-229): VWGLDDFQFL[Pro219=]FIWGSSQLID

ClinVar aggregate classification (germline): Likely benign (1 of 4 stars; one submission).

gnomAD v4.1: 73 of 1,613,560 alleles (0.0045%); highest among the groups gnomAD compares: Middle Eastern, 0.083%; no homozygotes.

Submission:

CeGaT Center for Human Genetics Tuebingen
Classification: Likely benign. Last evaluated: 2026-03-01. Review status: criteria provided, single submitter. Criteria: CeGaT Center For Human Genetics Tuebingen Variant Classification Criteria Version 2. Collection method: clinical testing. Allele origin: germline. Affected: yes. Observed: 1 variant allele.
Comment: PTPA: BP4, BP7